The following is an entry in ClinVar:

ClinVar aggregate classification (germline): Uncertain significance (1 of 4 stars; one submission).

Conditions:
Familial cancer of breast. Also called: BREAST CANCER, FAMILIAL; Hereditary breast cancer; hereditary breast carcinoma. Identifiers: Orphanet 227535, MedGen C0346153, MONDO:0016419, OMIM 114480. Disease mechanism: loss of function.

Submission:

Labcorp Genetics (formerly Invitae), Labcorp
Classification: Uncertain significance for Familial cancer of breast. Last evaluated: 2022-02-10. Review status: criteria provided, single submitter. Criteria: Invitae Variant Classification Sherloc (09022015). Collection method: clinical testing. Allele origin: germline.
Comment: In summary, the available evidence is currently insufficient to determine the role of this variant in disease. Therefore, it has been classified as a Variant of Uncertain Significance. Algorithms developed to predict the effect of missense changes on protein structure and function (SIFT, PolyPhen-2, Align-GVGD) all suggest that this variant is likely to be tolerated. ClinVar contains an entry for this variant (Variation ID: 961281). This variant has not been reported in the literature in individuals affected with BARD1-related conditions. This variant is not present in population databases (gnomAD no frequency). This sequence change replaces serine, which is neutral and polar, with leucine, which is neutral and non-polar, at codon 402 of the BARD1 protein (p.Ser402Leu).

NM_000465.4(BARD1):c.1205C>T (p.Ser402Leu)

Gene: BARD1 (BRCA1 associated RING domain 1; minus strand). Cytogenetic location: 2q35.
Variant type: single nucleotide variant.
Coding change: c.1205C>T on transcript NM_000465.4 (MANE Select); coding-DNA position 1205, C replaced by T.
Protein change: p.Ser402Leu; replaces serine 402 with leucine.
Molecular consequence: missense variant. On other transcripts: non-coding transcript variant (2), intron variant (3).
Genome position (GRCh38, 1-based): chr2:214,780,669, G>A on the plus strand (C>T on the coding strand, the complement: BARD1 is on the minus strand). VCF-style: chr2-214780669-G-A. GRCh37 (hg19) VCF-style: chr2-215645393-G-A.
Other names: c.1148C>T, p.Ser383Leu (NM_001282543.2); c.159-28114C>T (NM_001282548.2); c.215+16392C>T (NM_001282545.2); c.364+11628C>T (NM_001282549.2); short protein forms S402L, S383L.
Identifiers: ClinVar variation 961281 (VCV000961281.8), dbSNP rs796666047, ClinGen allele CA350453735.